The following is an entry in ClinVar:

NM_001127644.2(GABRA1):c.188A>C (p.Glu63Ala)

Gene: GABRA1 (gamma-aminobutyric acid type A receptor subunit alpha1; plus strand). Cytogenetic location: 5q34.
Variant type: single nucleotide variant.
Coding change: c.188A>C on transcript NM_001127644.2 (MANE Select); coding-DNA position 188, A replaced by C.
Protein change: p.Glu63Ala; replaces glutamic acid 63 with alanine.
Molecular consequence: missense variant.
Genome position (GRCh38, 1-based): chr5:161,865,721, A>C. VCF-style: chr5-161865721-A-C. GRCh37 (hg19) VCF-style: chr5-161292727-A-C.
Other names: c.188A>C, p.Glu63Ala (NM_000806.5, NM_001127643.2, NM_001127645.2 and 1 more transcripts); short protein forms E63A.
Identifiers: ClinVar variation 452188 (VCV000452188.5), dbSNP rs1429109541, ClinGen allele CA362178488.

ClinVar aggregate classification (germline): Uncertain significance. Review status: criteria provided, multiple submitters, no conflicts (2 of 4 stars). 2 submissions from 2 submitters: Uncertain significance (2). Last evaluated 2024-01-14.

Conditions:
Idiopathic generalized epilepsy. Also called: Generalised epilepsy; EIG. Identifiers: MedGen C0270850, MONDO:0005579, OMIM 600669.
Epilepsy, idiopathic generalized, susceptibility to, 13. Also called: EPILEPSY, JUVENILE MYOCLONIC, SUSCEPTIBILITY TO, 5. Identifiers: Orphanet 307, Orphanet 64280, MedGen C4013473, MONDO:0012627, OMIM 611136.
Epilepsy, childhood absence 4 (ECA4). Also called: EPILEPSY, CHILDHOOD ABSENCE, SUSCEPTIBILITY TO, 4. Identifiers: Orphanet 307, MedGen C1970160.

Allele frequency attached by ClinVar (database versions not stated): gnomAD exomes below 0.00001 and 0.00001; gnomAD 0.00001; TOPMed 0.00001.
gnomAD v4.1: 7 of 1,612,734 alleles (0.00043%); highest among the groups gnomAD compares: Non-Finnish European, 0.00059%; no homozygotes.

Submissions (2):

Labcorp Genetics (formerly Invitae), Labcorp
Classification: Uncertain significance for Epilepsy, childhood absence 4; Epilepsy, idiopathic generalized, susceptibility to, 13; Idiopathic generalized epilepsy. Last evaluated: 2024-01-14. Review status: criteria provided, single submitter. Criteria: Invitae Variant Classification Sherloc (09022015). Collection method: clinical testing. Allele origin: germline.
Comment: This sequence change replaces glutamic acid, which is acidic and polar, with alanine, which is neutral and non-polar, at codon 63 of the GABRA1 protein (p.Glu63Ala). This variant is present in population databases (no rsID available, gnomAD 0.002%). This variant has not been reported in the literature in individuals affected with GABRA1-related conditions. ClinVar contains an entry for this variant (Variation ID: 452188). An algorithm developed to predict the effect of missense changes on protein structure and function (PolyPhen-2) suggests that this variant is likely to be tolerated. In summary, the available evidence is currently insufficient to determine the role of this variant in disease. Therefore, it has been classified as a Variant of Uncertain Significance.

GeneDx
Classification: Uncertain significance. Last evaluated: 2018-11-02. Review status: criteria provided, single submitter. Criteria: GeneDx Variant Classification (06012015). Collection method: clinical testing. Allele origin: germline. Affected: yes.
Comment: The c.188 A>C variant has not been published as a pathogenic variant, nor has it been reported as a benign variant to our knowledge. The c.188 A>C variant is not observed in large population cohorts (Lek et al., 2016). Multiple in-silico splice prediction models predict that c.188 A>C damages the natural splice acceptor site and may lead to abnormal gene splicing. However, in the absence of RNA/functional studies the actual effect of c.188 A>C on splicing in this individual is unknown. If c.188 A>C does not alter splicing, it will result in the E63A missense change. The E63A variant is a non-conservative amino acid substitution, which is likely to impact secondary protein structure as these residues differ in polarity, charge, size and/or other properties. This substitution occurs at a position that is conserved in mammals; however, missense variants in nearby residues have not been reported in the Human Gene Mutation Database in association with GABRA1-related disorders (Stenson et al., 2014). In silico analysis is inconsistent in its predictions as to whether or not the variant is damaging to the protein structure/function.